The following is an entry in ClinVar:

ClinVar aggregate classification (germline): Uncertain significance (0 of 4 stars; one submission).

gnomAD v4.1: 2 of 1,428,676 alleles (0.00014%); highest among the groups gnomAD compares: Non-Finnish European, 0.0002%; no homozygotes.

Submission:

Department of Pathology and Laboratory Medicine, Sinai Health System
Classification: Uncertain significance. Review status: no assertion criteria provided. Collection method: clinical testing. Allele origin: unknown. Affected: yes. Study: The Canadian Open Genetics Repository (COGR).
Comment: The ADGRV1 p.Gly6268Val variant was not identified in the literature nor was it identified in dbSNP, ClinVar or in the following control databases: the 1000 Genomes Project, the NHLBI GO Exome Sequencing Project, or the Genome Aggregation Database (March 6, 2019, v2.1.1). The p.Gly6268 residue is conserved across mammals and other organisms, and four out of five computational analyses (PolyPhen-2, SIFT, AlignGVGD, BLOSUM, MutationTaster) suggest that the variant may impact the protein; however, this information is not predictive enough to assume pathogenicity. The p.Gly6268Val variant occurs in the first base of the exon. This position has been shown to be part of the splicing consensus sequence and variants involving this position sometimes affect splicing. In addition, 4 of 4 in silico or computational prediction software programs (SpliceSiteFinder, MaxEntScan, NNSPLICE, GeneSplicer) predict a greater than 10% difference in splicing. However, this has not been confirmed by RNA analysis and is not predictive enough to assume pathogenicity. In summary, based on the above information the clinical significance of this variant cannot be determined with certainty at this time. This variant is classified as a variant of uncertain significance.

NM_032119.4(ADGRV1):c.18803G>T (p.Gly6268Val)

Gene: ADGRV1 (adhesion G protein-coupled receptor V1; plus strand). Cytogenetic location: 5q14.3.
Variant type: single nucleotide variant.
Coding change: c.18803G>T on transcript NM_032119.4 (MANE Select); coding-DNA position 18803, G replaced by T.
Protein change: p.Gly6268Val; replaces glycine 6268 with valine.
Molecular consequence: missense variant. On other transcripts: non-coding transcript variant (1).
Genome position (GRCh38, 1-based): chr5:91,163,782, G>T. VCF-style: chr5-91163782-G-T. GRCh37 (hg19) VCF-style: chr5-90459599-G-T.
Other names: short protein forms G6268V.
Identifiers: ClinVar variation 1050679 (VCV001050679.1), dbSNP rs1246740079, ClinGen allele CA360432840.